The following is an entry in ClinVar:

NM_000501.4(ELN):c.2014G>A (p.Ala672Thr)

Gene: ELN (elastin; plus strand). Cytogenetic location: 7q11.23.
Variant type: single nucleotide variant.
Coding change: c.2014G>A on transcript NM_000501.4 (MANE Select); coding-DNA position 2014, G replaced by A.
Protein change: p.Ala672Thr; replaces alanine 672 with threonine.
Molecular consequence: missense variant.
Genome position (GRCh38, 1-based): chr7:74,065,714, G>A. VCF-style: chr7-74065714-G-A. GRCh37 (hg19) VCF-style: chr7-73480044-G-A.
Other names: c.1984G>A, p.Ala662Thr (NM_001278917.2); c.1747G>A, p.Ala583Thr (NM_001278918.2); c.2200G>A, p.Ala734Thr (NM_001278939.2); c.1927G>A, p.Ala643Thr (NM_001081752.3); c.1972G>A, p.Ala658Thr (NM_001081753.3); c.2029G>A, p.Ala677Thr (NM_001081754.3); c.1957G>A, p.Ala653Thr (NM_001081755.3); c.2014G>A, p.Ala672Thr (NM_001278912.2); and 4 more; short protein forms A591T, A643T, A653T, A583T, A648T, A677T, A658T, A662T.
Identifiers: ClinVar variation 2854541 (VCV002854541.3), dbSNP rs1341584995, ClinGen allele CA367890935.

ClinVar aggregate classification (germline): Uncertain significance (1 of 4 stars; one submission).

Conditions:
Supravalvar aortic stenosis (SVAS). Also called: Supravalvar aortic stenosis, Eisenberg type. Identifiers: Orphanet 3193, MedGen C0003499, MONDO:0008504, OMIM 185500, HP:0004381.

Allele frequency attached by ClinVar (database versions not stated): gnomAD 0.00002.
gnomAD v4.1: 25 of 1,613,392 alleles (0.0015%); highest among the groups gnomAD compares: South Asian, 0.0055%; no homozygotes.

Submission:

Labcorp Genetics (formerly Invitae), Labcorp
Classification: Uncertain significance for Supravalvar aortic stenosis. Last evaluated: 2024-10-17. Review status: criteria provided, single submitter. Criteria: Invitae Variant Classification Sherloc (09022015). Collection method: clinical testing. Allele origin: germline.
Comment: This sequence change replaces alanine, which is neutral and non-polar, with threonine, which is neutral and polar, at codon 734 of the ELN protein (p.Ala734Thr). This variant is present in population databases (no rsID available, gnomAD 0.002%). This variant has not been reported in the literature in individuals affected with ELN-related conditions. Invitae Evidence Modeling of protein sequence and biophysical properties (such as structural, functional, and spatial information, amino acid conservation, physicochemical variation, residue mobility, and thermodynamic stability) indicates that this missense variant is not expected to disrupt ELN protein function with a negative predictive value of 80%. In summary, the available evidence is currently insufficient to determine the role of this variant in disease. Therefore, it has been classified as a Variant of Uncertain Significance.